The following is an entry in ClinVar:

NM_001048174.2(MUTYH):c.277A>T (p.Met93Leu)

Gene: MUTYH (mutY DNA glycosylase; minus strand). Cytogenetic location: 1p34.1.
Variant type: single nucleotide variant.
Coding change: c.277A>T on transcript NM_001048174.2 (MANE Select); coding-DNA position 277, A replaced by T.
Protein change: p.Met93Leu; replaces methionine 93 with leucine.
Molecular consequence: missense variant. On other transcripts: initiator codon variant (3), non-coding transcript variant (7).
Genome position (GRCh38, 1-based): chr1:45,333,312, T>A on the plus strand (A>T on the coding strand, the complement: MUTYH is on the minus strand). VCF-style: chr1-45333312-T-A. GRCh37 (hg19) VCF-style: chr1-45798984-T-A.
Other names: c.277A>T, p.Met93Leu (NM_001048171.2, NM_001048173.2, NM_001293195.2 and 6 more transcripts); c.280A>T, p.Met94Leu (NM_001048172.2, NM_001407071.1, NM_001407078.1 and 2 more transcripts); c.361A>T, p.Met121Leu (NM_001128425.2); c.322A>T, p.Met108Leu (NM_001293190.2); c.310A>T, p.Met104Leu (NM_001293191.2, NM_001407077.1); c.1A>T, p.Met1Leu (NM_001293192.2, NM_001293196.2, NM_001407091.1); c.6A>T, p.Arg2Ser (NM_001350650.2, NM_001350651.2, NM_001407082.1); c.352A>T, p.Met118Leu (NM_001407069.1, NM_012222.3); and 3 more; short protein forms M100L, M107L, M1L, R2S, M65L, M93L, M104L, M108L.
Identifiers: ClinVar variation 4113628 (VCV004113628.1).

ClinVar aggregate classification (germline): Uncertain significance (1 of 4 stars; one submission).

Conditions:
Hereditary cancer-predisposing syndrome. Also called: Hereditary neoplastic syndrome; Neoplastic Syndromes, Hereditary; Tumor predisposition; Hereditary Cancer Syndrome. Identifiers: Orphanet 140162, MedGen C0027672, MeSH D009386, MONDO:0015356.

Submission:

Ambry Genetics
Classification: Uncertain significance for Hereditary cancer-predisposing syndrome. Last evaluated: 2025-08-27. Review status: criteria provided, single submitter. Criteria: Ambry Variant Classification Scheme 2023. Collection method: clinical testing. Allele origin: germline.
Comment: The p.M121L variant (also known as c.361A>T), located in coding exon 4 of the MUTYH gene, results from an A to T substitution at nucleotide position 361. The methionine at codon 121 is replaced by leucine, an amino acid with highly similar properties. This amino acid position is conserved. In addition, this alteration is predicted to be tolerated by in silico analysis. Based on the available evidence, the clinical significance of this variant remains unclear.